The following is an entry in ClinVar:

ClinVar aggregate classification (germline): Uncertain significance (1 of 4 stars; one submission).

Conditions:
Charcot-Marie-Tooth disease axonal type 2K (CMT2K). Also called: CHARCOT-MARIE-TOOTH DISEASE, AXONAL, AUTOSOMAL RECESSIVE, TYPE 2K; CHARCOT-MARIE-TOOTH NEUROPATHY, AXONAL, TYPE 2K; Charcot-Marie-Tooth disease type 2K. Identifiers: Orphanet 101097, Orphanet 99944, MedGen C1842983, MONDO:0011916, OMIM 607831.

Submission:

3billion
Classification: Uncertain significance for Charcot-Marie-Tooth disease axonal type 2K. Last evaluated: 2022-03-22. Review status: criteria provided, single submitter. Criteria: ACMG Guidelines, 2015. Collection method: clinical testing. Allele origin: germline. Affected: yes. Observed: 1 heterozygote.
Comment: It is not observed in the gnomAD v2.1.1 dataset. Different pathogenic/likely pathogenic amino acid change has been reported with supporting evidence at the same codon (ClinVar ID: VCV000004203, PMID:19089472). In silico tool predictions suggest damaging effect of the variant on gene or gene product (REVEL: 0.863>=0.6, 3CNET: 0.961>=0.75). Therefore, this variant is classified as uncertain significance according to the recommendation of ACMG/AMP guideline.

Literature cited by the submitters: PubMed 19089472.

NM_018972.4(GDAP1):c.719G>T (p.Cys240Phe)

Gene: GDAP1 (ganglioside induced differentiation associated protein 1; plus strand). Cytogenetic location: 8q21.11.
Variant type: single nucleotide variant.
Coding change: c.719G>T on transcript NM_018972.4 (MANE Select); coding-DNA position 719, G replaced by T.
Protein change: p.Cys240Phe; replaces cysteine 240 with phenylalanine.
Molecular consequence: missense variant. On other transcripts: intron variant (1).
Genome position (GRCh38, 1-based): chr8:74,364,009, G>T. VCF-style: chr8-74364009-G-T. GRCh37 (hg19) VCF-style: chr8-75276244-G-T.
Other names: c.694+956G>T (NM_001362931.2); c.515G>T, p.Cys172Phe (NM_001040875.4); c.392G>T, p.Cys131Phe (NM_001362929.2, NM_001362932.2); c.545G>T, p.Cys182Phe (NM_001362930.2); short protein forms C131F, C172F, C182F, C240F.
Identifiers: ClinVar variation 1526025 (VCV001526025.1), dbSNP rs121908115, ClinGen allele CA371549918.